The following is an entry in ClinVar:

NM_022124.6(CDH23):c.5311C>T (p.Arg1771Ter)

Gene: CDH23 (cadherin related 23; plus strand). Cytogenetic location: 10q22.1.
Variant type: single nucleotide variant.
Coding change: c.5311C>T on transcript NM_022124.6 (MANE Select); coding-DNA position 5311, C replaced by T.
Protein change: p.Arg1771Ter; replaces arginine 1771 with a stop codon.
Molecular consequence: nonsense.
Genome position (GRCh38, 1-based): chr10:71,779,390, C>T. VCF-style: chr10-71779390-C-T. GRCh37 (hg19) VCF-style: chr10-73539147-C-T.
Other names: short protein forms R1771*.
Identifiers: ClinVar variation 812254 (VCV000812254.41), dbSNP rs750027965, ClinGen allele CA5545707.

ClinVar aggregate classification (germline): Pathogenic/Likely pathogenic. Review status: criteria provided, multiple submitters, no conflicts (2 of 4 stars). 8 submissions from 8 submitters: Pathogenic (4); Likely pathogenic (3). 1 of the submissions does not count toward it. Last evaluated 2026-01-28.

Conditions:
Autosomal recessive nonsyndromic hearing loss 12. Also called: DEAFNESS, AUTOSOMAL RECESSIVE 12. Identifiers: Orphanet 90636, MedGen C1832394, MONDO:0011067, OMIM 601386.
Pituitary adenoma 5, multiple types. Identifiers: MedGen C4539685, MONDO:0054601, OMIM 617540.
Usher syndrome type 1D (USH1D). Also called: USHER SYNDROME, TYPE ID. Identifiers: Orphanet 231169, Orphanet 886, MedGen C1832845, MONDO:0010984, OMIM 601067.
CDH23-related disorder. Also called: CDH23-related condition; CDH23-related disorders.
Usher syndrome type 1 (USH1). Also called: RETINITIS PIGMENTOSA AND CONGENITAL DEAFNESS. Identifiers: Orphanet 231169, Orphanet 886, MedGen C1568247, MONDO:0010168, OMIM 276900.

Allele frequency attached by ClinVar (database versions not stated): ExAC 0.00001; gnomAD exomes 0.00001; gnomAD 0.00002; TOPMed 0.00002.
gnomAD v4.1: 12 of 1,613,610 alleles (0.00074%); highest among the groups gnomAD compares: Non-Finnish European, 0.00059%; no homozygotes.

Submissions (8):

Labcorp Genetics (formerly Invitae), Labcorp
Classification: Pathogenic. Last evaluated: 2026-01-28. Review status: criteria provided, single submitter. Criteria: Invitae Variant Classification Sherloc (09022015). Collection method: clinical testing. Allele origin: germline.
Comment: This sequence change creates a premature translational stop signal (p.Arg1771*) in the CDH23 gene. It is expected to result in an absent or disrupted protein product. Loss-of-function variants in CDH23 are known to be pathogenic (PMID: 11138009, 21940737, 35020051). This variant is present in population databases (rs750027965, gnomAD 0.03%). This variant has not been reported in the literature in individuals affected with CDH23-related conditions. ClinVar contains an entry for this variant (Variation ID: 812254). For these reasons, this variant has been classified as Pathogenic.

Natera, Inc.
Classification: Likely pathogenic for Usher syndrome type 1. Last evaluated: 2025-03-27. Review status: criteria provided, single submitter. Criteria: Natera Variant Classification Schema (03/2026). Collection method: clinical testing. Allele origin: germline.
Comment: The c.5311C>T variant in CDH23 is a nonsense variant predicted to introduce a stop codon at amino acid 1771. This variant is expected to result in nonsense mediated decay, truncation, or a dysfunctional protein product. This variant is rare in the general population with a frequency below the threshold expected for the associated phenotype(s). Given the available evidence, this variant is classified as Likely Pathogenic.

Baylor Genetics
Classification: Likely pathogenic for Pituitary adenoma 5, multiple types. Last evaluated: 2023-10-03. Review status: criteria provided, single submitter. Criteria: ACMG Guidelines, 2015. Collection method: clinical testing. Allele origin: unknown.

GeneDx
Classification: Pathogenic. Last evaluated: 2022-08-31. Review status: criteria provided, single submitter. Criteria: GeneDx Variant Classification Process June 2021. Collection method: clinical testing. Allele origin: germline. Affected: yes.
Comment: Identified in a family with Usher syndrome type I in published literature (Sharon et al., 2020); Nonsense variant predicted to result in protein truncation or nonsense mediated decay in a gene for which loss of function is a known mechanism of disease; This variant is associated with the following publications: (PMID: 32037395, 31456290)

CeGaT Center for Human Genetics Tuebingen
Classification: Pathogenic. Last evaluated: 2022-08-01. Review status: criteria provided, single submitter. Criteria: CeGaT Center For Human Genetics Tuebingen Variant Classification Criteria Version 2. Collection method: clinical testing. Allele origin: germline. Affected: yes. Observed: 1 variant allele.

Blueprint Genetics
Classification: Likely pathogenic for CDH23-related disorders. Last evaluated: 2022-05-19. Review status: criteria provided, single submitter. Criteria: ACMG Guidelines, 2015. Collection method: clinical testing. Allele origin: germline. Affected: yes. Observed: 1 variant allele.

Fulgent Genetics
Classification: Pathogenic for Usher syndrome type 1D; Autosomal recessive nonsyndromic hearing loss 12; Pituitary adenoma 5, multiple types. Last evaluated: 2021-07-02. Review status: criteria provided, single submitter. Criteria: ACMG Guidelines, 2015. Collection method: clinical testing. Allele origin: unknown.

Sharon lab, Hadassah-Hebrew University Medical Center
Classification: Pathogenic for Usher syndrome type 1. Last evaluated: 2019-06-23. Review status: no assertion criteria provided. Collection method: research. Allele origin: inherited. Affected: yes. Not counted in ClinVar's aggregate classification.

Literature cited by the submitters: PubMed 11138009 (cited by Labcorp Genetics (formerly Invitae), Labcorp); PubMed 21940737 (cited by Labcorp Genetics (formerly Invitae), Labcorp); PubMed 35020051 (cited by Labcorp Genetics (formerly Invitae), Labcorp).